The following is an entry in ClinVar:

NM_005647.4(TBL1X):c.1237-3C>G

Gene: TBL1X (transducin beta like 1 X-linked; plus strand). Cytogenetic location: Xp22.2.
Variant type: single nucleotide variant.
Coding change: c.1237-3C>G on transcript NM_005647.4 (MANE Select); 3 bases into the intron before coding-DNA position 1237, C replaced by G.
Molecular consequence: intron variant.
Genome position (GRCh38, 1-based): chrX:9,709,245, C>G. VCF-style: chrX-9709245-C-G. GRCh37 (hg19) VCF-style: chrX-9677285-C-G.
Other names: c.1084-3C>G (NM_001139468.1, NM_001139467.1); c.1237-3C>G (NM_001139466.1).
Identifiers: ClinVar variation 560265 (VCV000560265.5), dbSNP rs199823517, ClinGen allele CA326074118.

ClinVar aggregate classification (germline): Uncertain significance. Review status: criteria provided, multiple submitters, no conflicts (2 of 4 stars). 2 submissions from 2 submitters: Uncertain significance (2). Last evaluated 2019-11-03.

Allele frequency attached by ClinVar (database versions not stated): TOPMed 0.00001; gnomAD exomes 0.00002.
gnomAD v4.1: 17 of 1,210,421 alleles (0.0014%); highest among the groups gnomAD compares: Non-Finnish European, 0.0019%; no homozygotes.

Submissions (2):

GeneDx
Classification: Uncertain significance. Last evaluated: 2019-11-03. Review status: criteria provided, single submitter. Criteria: GeneDx Variant Classification Process June 2021. Collection method: clinical testing. Allele origin: germline. Affected: yes.
Comment: Not observed in large population cohorts (Lek et al., 2016); In silico analysis, which includes splice predictors and evolutionary conservation, supports a deleterious effect; Has not been previously published as pathogenic or benign to our knowledge; Variants in candidate genes are classified as variants of uncertain significance in accordance with ACMG guidelines (Richards et al., 2015)

Geisinger Autism and Developmental Medicine Institute, Geisinger Health System
Classification: Uncertain significance. Last evaluated: 2018-01-08. Review status: criteria provided, single submitter. Criteria: ACMG Guidelines, 2015. Collection method: provider interpretation, clinical testing. Allele origin: maternal. Observed: 1 variant allele.
Comment: TBL1X is a gene of uncertain significance; no known human disorders have been clearly associated with this gene, although an association with autism spectrum disorders has been suggested (Chung et al., 2011). This variant is intronic and is predicted to damage the splice acceptor site in intron 12. This variant is absent from gnomAD, however many other splice site variants are reported in the same region.

Literature cited by the submitters: PubMed 22050706 (cited by Geisinger Autism and Developmental Medicine Institute, Geisinger Health System).